The following is an entry in ClinVar:

NM_000257.4(MYH7):c.1318G>C (p.Val440Leu)

Gene: MYH7 (myosin heavy chain 7; minus strand). Cytogenetic location: 14q11.2.
Variant type: single nucleotide variant.
Coding change: c.1318G>C on transcript NM_000257.4 (MANE Select); coding-DNA position 1318, G replaced by C.
Protein change: p.Val440Leu; replaces valine 440 with leucine.
Molecular consequence: missense variant.
Genome position (GRCh38, 1-based): chr14:23,429,044, C>G on the plus strand (G>C on the coding strand, the complement: MYH7 is on the minus strand). VCF-style: chr14-23429044-C-G. GRCh37 (hg19) VCF-style: chr14-23898253-C-G.
Other names: c.1318G>C, p.Val440Leu (NM_001407004.1); short protein forms V440L.
Identifiers: ClinVar variation 5025173 (VCV005025173.1).
Genomic context (GRCh38, chr14:23,429,044, plus strand): 5'-GGACTCCTATGAAGTACTGGCGTGGCTGCTTGGTCTCCAGGGTGGCATTGATGCGCGTCA[C>G]CATCCAGTTGAACATCCTCTCATACACTGCCTTGGCCAGTGCCCCAGTGGCATATATCAC-3'
Protein context (NP_000248.2, residues 430-450): AVYERMFNWM[Val440Leu]TRINATLETK

ClinVar aggregate classification (germline): Uncertain significance (1 of 4 stars; one submission).

Conditions:
Cardiovascular phenotype. Identifiers: MedGen CN230736.

Submission:

Ambry Genetics
Classification: Uncertain significance for Cardiovascular phenotype. Last evaluated: 2026-08-07. Review status: criteria provided, single submitter. Criteria: Ambry Variant Classification Scheme 2023. Collection method: clinical testing. Allele origin: germline.
Comment: The p.V440L variant (also known as c.1318G>C), located in coding exon 12 of the MYH7 gene, results from a G to C substitution at nucleotide position 1318. The valine at codon 440 is replaced by leucine, an amino acid with highly similar properties. Other variant(s) at the same codon, p.V440M (c.1318G>A), have been identified in individual(s) with features consistent with hypertrophic cardiomyopathy (HCM) (Van Driest SL et al. J. Am. Coll. Cardiol., 2004 Aug;44:602-10; Bos JM et al. Mayo Clin. Proc., 2014 Jun;89:727-37; Walsh R et al. Genet. Med., 2017 02;19:192-203; external communication). This amino acid position is highly conserved in available vertebrate species. In addition, this alteration is predicted to be deleterious by in silico analysis. Based on the available evidence, the clinical significance of this variant remains unclear.